The following is an entry in ClinVar:

ClinVar aggregate classification (germline): Benign (1 of 4 stars; one submission).

Allele frequency attached by ClinVar (database versions not stated): ESP Exome Variant Server 0.02914; gnomAD exomes 0.13110; gnomAD 0.13603; TOPMed 0.14519; ExAC 0.15185; 1000 Genomes Project 30x 0.15584; 1000 Genomes Project 0.15855.
gnomAD v4.1: 202,236 of 1,538,540 alleles (13%); highest among the groups gnomAD compares: Admixed American, 27%; 14,678 homozygotes.

Submission:

Unidad de Genómica Garrahan, Hospital de Pediatría Garrahan
Classification: Benign. Last evaluated: 2024-01-24. Review status: criteria provided, single submitter. Criteria: ACMG Guidelines, 2015. Collection method: clinical testing. Allele origin: germline. Affected: no. Observed: 43 variant alleles.
Comment: This variant is classified as Benign based on local population frequency. This variant was detected in 45% of patients studied by a panel of primary immunodeficiencies. Number of patients: 43. Only high quality variants are reported.

NM_001144958.2(CRACR2A):c.229-48C>T

Gene: CRACR2A (calcium release activated channel regulator 2A; minus strand). Cytogenetic location: 12p13.32.
Variant type: single nucleotide variant.
Coding change: c.229-48C>T on transcript NM_001144958.2 (MANE Select); 48 bases into the intron before coding-DNA position 229, C replaced by T.
Molecular consequence: intron variant.
Genome position (GRCh38, 1-based): chr12:3,680,397, G>A on the plus strand (C>T on the coding strand, the complement: CRACR2A is on the minus strand). VCF-style: chr12-3680397-G-A. GRCh37 (hg19) VCF-style: chr12-3789563-G-A.
Other names: c.229-48C>T (NM_032680.4).
Identifiers: ClinVar variation 2688144 (VCV002688144.2), dbSNP rs57335133, ClinGen allele CA6394766.
Genomic context (GRCh38, chr12:3,680,397, plus strand): 5'-CCTTATGCAGCCTCTGAAAACAACCCAGAGTGTACTGGTTAACACTGACACTCACTGGTG[G>A]GGGAGGTGACCTGGGACTGCAGAGCCTTCTGCCAGAAAGTGTCTAGAGTTCGGCCCAGTC-3'